The following is an entry in ClinVar:

ClinVar aggregate classification (germline): Uncertain significance (1 of 4 stars; one submission).

Conditions:
Fanconi anemia (FA). Also called: Fanconi's anemia. Identifiers: Orphanet 84, MedGen C0015625, MeSH D005199, MONDO:0019391.

gnomAD v4.1: 2 of 1,613,994 alleles (0.00012%); highest among the groups gnomAD compares: Non-Finnish European, 0.00017%; no homozygotes.

Submission:

Labcorp Genetics (formerly Invitae), Labcorp
Classification: Uncertain significance for Fanconi anemia. Last evaluated: 2024-10-06. Review status: criteria provided, single submitter. Criteria: Invitae Variant Classification Sherloc (09022015). Collection method: clinical testing. Allele origin: germline.
Comment: This sequence change falls in intron 11 of the FANCG gene. It does not directly change the encoded amino acid sequence of the FANCG protein. It affects a nucleotide within the consensus splice site. This variant is not present in population databases (gnomAD no frequency). This variant has not been reported in the literature in individuals affected with FANCG-related conditions. Variants that disrupt the consensus splice site are a relatively common cause of aberrant splicing (PMID: 17576681, 9536098). Algorithms developed to predict the effect of sequence changes on RNA splicing suggest that this variant is not likely to affect RNA splicing. In summary, the available evidence is currently insufficient to determine the role of this variant in disease. Therefore, it has been classified as a Variant of Uncertain Significance.

Literature cited by the submitters: PubMed 17576681; PubMed 9536098.

NM_004629.2(FANCG):c.1480+5T>A

Gene: FANCG (FA complementation group G; minus strand). Cytogenetic location: 9p13.3.
Variant type: single nucleotide variant.
Coding change: c.1480+5T>A on transcript NM_004629.2 (MANE Select); 5 bases into the intron after coding-DNA position 1480, T replaced by A.
Molecular consequence: intron variant.
Genome position (GRCh38, 1-based): chr9:35,075,274, A>T on the plus strand (T>A on the coding strand, the complement: FANCG is on the minus strand). VCF-style: chr9-35075274-A-T. GRCh37 (hg19) VCF-style: chr9-35075271-A-T.
Identifiers: ClinVar variation 3668236 (VCV003668236.2).